The following is an entry in ClinVar:

NM_001130144.3(LTBP3):c.76CTG[13] (p.Leu33_Leu35dup)

Gene: LTBP3 (latent transforming growth factor beta binding protein 3; minus strand). Cytogenetic location: 11q13.1.
Variant type: Microsatellite.
Coding change: c.76CTG[13] on transcript NM_001130144.3 (MANE Select); 13 copies in a row of the 3-base unit CTG starting at c.76; the reference has ten copies in a row; three copies, 9 bases duplicated; also written c.97_105dup.
Protein change: p.Leu33_Leu35dup.
Molecular consequence: inframe insertion. On other transcripts: 5 prime UTR variant (1).
Genome position (GRCh38, 1-based): chr11:65,557,855-65,557,863, CAGCAGCAG duplicated on the plus strand (CTGCTGCTG on the coding strand, the reverse complement: LTBP3 is on the minus strand); duplicating any 9 consecutive bases within chr11:65,557,855-65,557,885 gives the same sequence; the position shown is the placement nearest the transcript's 3' end. VCF-style (leftmost placement, unchanged base first): chr11-65557854-C-CCAGCAGCAG. GRCh37 (hg19) VCF-style: chr11-65325325-C-CCAGCAGCAG.
Other names: p.Leu33_Leu35dup; c.-272CTG[13] (NM_001164266.1); c.76CTG[13], p.Leu33_Leu35dup (NM_021070.4); c.97_105dup9 (NM_001130144.2); c.97_105dup (NM_001130144.2).
Identifiers: ClinVar variation 464029 (VCV000464029.25), dbSNP rs71036212, ClinGen allele CA6101299.
Genomic context (GRCh38, chr11:65,557,854, plus strand): 5'-CCCCGCCCCCGCCTGCGCCCCGCTCGCCGGCCGGCCCCCCCTCGACCCTGCCGCCCAGGC[C>CCAGCAGCAG]CAGCAGCAGCAGCAGCAGCAGCAGCAGCAGCGCCAGCAGCCCCGCCGCCCCCGCCCCGCG-3'

ClinVar aggregate classification (germline): Conflicting classifications of pathogenicity. Review status: criteria provided, conflicting classifications (1 of 4 stars). 10 submissions from 10 submitters: Uncertain significance (2); Benign (1); Likely benign (2). 5 of the submissions do not count toward it. Last evaluated 2026-02-01.

Conditions:
LTBP3-related disorder. Also called: LTBP3-related condition.
Brachyolmia-amelogenesis imperfecta syndrome. Also called: Tooth agenesis, selective, 6; Dental anomalies and short stature; PLATYSPONDYLY WITH AMELOGENESIS IMPERFECTA. Identifiers: Orphanet 2899, MedGen C1832594, MONDO:0011018, OMIM 601216. Disease mechanism: loss of function.
Geleophysic dysplasia 3. Identifiers: MedGen C4540511, MONDO:0054722, OMIM 617809.

Submissions (10):

Labcorp Genetics (formerly Invitae), Labcorp
Classification: Benign for Brachyolmia-amelogenesis imperfecta syndrome. Last evaluated: 2026-02-01. Review status: criteria provided, single submitter. Criteria: Invitae Variant Classification Sherloc (09022015). Collection method: clinical testing. Allele origin: germline.

Mayo Clinic Laboratories, Mayo Clinic
Classification: Likely benign. Last evaluated: 2025-04-08. Review status: criteria provided, single submitter. Criteria: ACMG Guidelines, 2015. Collection method: clinical testing. Allele origin: germline. Observed: 8 variant alleles.
Comment: BS1, BP3

Blueprint Genetics
Classification: Likely benign. Last evaluated: 2024-11-27. Review status: criteria provided, single submitter. Criteria: ACMG Guidelines, 2015. Collection method: clinical testing. Allele origin: germline.

Department of Pathology and Laboratory Medicine, Sinai Health System
Classification: Uncertain significance for Brachyolmia-amelogenesis imperfecta syndrome; Geleophysic dysplasia 3. Last evaluated: 2023-01-18. Review status: criteria provided, single submitter. Criteria: ACMG Guidelines, 2015. Collection method: research. Allele origin: germline.

Genomic Research Center, Shahid Beheshti University of Medical Sciences
Classification: Uncertain significance. Last evaluated: 2019-01-01. Review status: criteria provided, single submitter. Criteria: ACMG Guidelines, 2015. Collection method: clinical testing. Allele origin: unknown. Affected: no. Observed: 1 variant allele.

PreventionGenetics, part of Exact Sciences
Classification: Likely benign for LTBP3-related condition. Last evaluated: 2019-11-19. Review status: no assertion criteria provided. Collection method: clinical testing. Allele origin: germline. Not counted in ClinVar's aggregate classification.
Comment: This variant is classified as likely benign based on ACMG/AMP sequence variant interpretation guidelines (Richards et al. 2015 PMID: 25741868, with internal and published modifications).

Clinical Genetics DNA and cytogenetics Diagnostics Lab, Erasmus MC, Erasmus Medical Center
Classification: Likely benign. Review status: no assertion criteria provided. Collection method: clinical testing. Allele origin: germline. Affected: yes. Study: VKGL Data-share Consensus. Not counted in ClinVar's aggregate classification.

Diagnostic Laboratory, Department of Genetics, University Medical Center Groningen
Classification: Likely benign. Review status: no assertion criteria provided. Collection method: clinical testing. Allele origin: germline. Affected: yes. Study: VKGL Data-share Consensus. Not counted in ClinVar's aggregate classification.

Genome Diagnostics Laboratory, Amsterdam University Medical Center
Classification: Likely benign. Review status: no assertion criteria provided. Collection method: clinical testing. Allele origin: germline. Affected: yes. Study: VKGL Data-share Consensus. Not counted in ClinVar's aggregate classification.

Genome Diagnostics Laboratory, University Medical Center Utrecht
Classification: Likely benign. Review status: no assertion criteria provided. Collection method: clinical testing. Allele origin: germline. Affected: yes. Study: VKGL Data-share Consensus. Not counted in ClinVar's aggregate classification.